The following is an entry in ClinVar:

ClinVar aggregate classification (germline): Likely benign. Review status: criteria provided, multiple submitters, no conflicts (2 of 4 stars). 2 submissions from 2 submitters: Likely benign (2). Last evaluated 2025-02-26.

Allele frequency attached by ClinVar (database versions not stated): gnomAD exomes 0.00005 and 0.00009; TOPMed 0.00006; gnomAD 0.00008; ExAC 0.00014.
gnomAD v4.1: 63 of 1,205,082 alleles (0.0052%); highest among the groups gnomAD compares: Non-Finnish European, 0.0063%; no homozygotes.

Submissions (2):

Labcorp Genetics (formerly Invitae), Labcorp
Classification: Likely benign. Last evaluated: 2025-02-26. Review status: criteria provided, single submitter. Criteria: Invitae Variant Classification Sherloc (09022015). Collection method: clinical testing. Allele origin: germline.

CeGaT Center for Human Genetics Tuebingen
Classification: Likely benign. Last evaluated: 2023-12-01. Review status: criteria provided, single submitter. Criteria: CeGaT Center For Human Genetics Tuebingen Variant Classification Criteria Version 2. Collection method: clinical testing. Allele origin: germline. Affected: yes. Observed: 1 variant allele.
Comment: TAF1: BP4, BP7, BS2

NM_004606.5(TAF1):c.3090G>A (p.Val1030=)

Gene: TAF1 (TATA-box binding protein associated factor 1; plus strand). Cytogenetic location: Xq13.1.
Variant type: single nucleotide variant.
Coding change: c.3090G>A on transcript NM_004606.5 (MANE Select); coding-DNA position 3090, G replaced by A.
Protein change: p.Val1030=; no amino-acid change (valine 1030 retained).
Molecular consequence: synonymous variant. On other transcripts: non-coding transcript variant (9).
Genome position (GRCh38, 1-based): chrX:71,393,339, G>A. VCF-style: chrX-71393339-G-A. GRCh37 (hg19) VCF-style: chrX-70613189-G-A.
Other names: c.3090G>A, p.Val1030= (NM_001286074.2); c.3027G>A, p.Val1009= (NM_138923.4).
Identifiers: ClinVar variation 701170 (VCV000701170.29), dbSNP rs745568855, ClinGen allele CA10446995.